The following is an entry in ClinVar:

ClinVar aggregate classification (germline): Pathogenic/Likely pathogenic. Review status: criteria provided, multiple submitters, no conflicts (2 of 4 stars). 2 submissions from 2 submitters: Pathogenic (1); Likely pathogenic (1). Last evaluated 2026-01-01.

Conditions:
Nemaline myopathy 2 (NEM2). Also called: Nemaline myopathy 2, autosomal recessive. Identifiers: MedGen C1850569, MONDO:0009725, OMIM 256030.

Submissions (2):

Myriad Genetics, Inc.
Classification: Pathogenic for Nemaline myopathy 2. Last evaluated: 2026-01-01. Review status: criteria provided, single submitter. Criteria: Myriad Autosomal Dominant, Autosomal Recessive and X-Linked Classification Criteria (2023). Collection method: clinical testing. Allele origin: unknown.
Comment: NM_001271208.1(NEB):c.23599dupA(T7867Nfs*25) is expected to be pathogenic in the context of NEB-related nemaline myopathy. This variant is predicted to lead to an abnormal or absent protein product due to the creation of a premature termination codon in NEB, a gene where loss-of-function variants are known to be pathogenic. Please note: this variant was assessed in the context of healthy population screening.

Division of Medical Genetics, Department of Pediatrics, All India Institute of Medical Sciences, New Delhi
Classification: Likely pathogenic for Nemaline myopathy 2. Review status: criteria provided, single submitter. Criteria: ACMG Guidelines, 2015. Collection method: research. Allele origin: germline. Affected: yes.

NM_001164508.2(NEB):c.23494dup (p.Thr7832fs)

Genes: NEB (nebulin; minus strand), RIF1 (replication timing regulatory factor 1; plus strand). Cytogenetic location: 2q23.3.
Variant type: Duplication.
Coding change: c.23494dup on transcript NM_001164508.2 (MANE Select); coding-DNA position 23494, one base duplicated (A; older notation c.23494dupA).
Protein change: p.Thr7832fs; shifts the reading frame from threonine 7832.
Molecular consequence: frameshift variant.
Genome position (GRCh38, 1-based): chr2:151,506,971, T duplicated on the plus strand (A on the coding strand, the reverse complement: NEB is on the minus strand). VCF-style (leftmost placement, unchanged base first): chr2-151506970-G-GT. GRCh37 (hg19) VCF-style: chr2-152363484-G-GT.
Other names: c.23494dup, p.Thr7832fs (NM_001164507.2); c.23599dup, p.Thr7867fs (NM_001271208.2); c.18391dup, p.Thr6131fs (NM_004543.5); short protein forms T6131fs, T7832fs, T7867fs.
Identifiers: ClinVar variation 2506581 (VCV002506581.2), dbSNP rs2552009812, ClinGen allele CA2580611700.
Genomic context (GRCh38, chr2:151,506,970, plus strand): 5'-GAGCTGAAATTCTTCTGATTTTCTTTTACACGCAGTATTTCTGGCGTGTCTTGAACAACT[G>GT]TAATTTTTCCTTTACTGTTTTTAAGGTCACACTGGTATTGGAGCTATGAAGAAAGAGTAA-3'